The following is an entry in ClinVar:

ClinVar aggregate classification (germline): Uncertain significance (1 of 4 stars; one submission).

Conditions:
Werner syndrome (WRN). Identifiers: Orphanet 902, MedGen C0043119, MONDO:0010196, OMIM 277700.

gnomAD v4.1: 1 of 1,613,800 alleles (0.000062%); highest among the groups gnomAD compares: Non-Finnish European, 0.000085%; no homozygotes.

Submission:

Labcorp Genetics (formerly Invitae), Labcorp
Classification: Uncertain significance for Werner syndrome. Last evaluated: 2021-01-01. Review status: criteria provided, single submitter. Criteria: Invitae Variant Classification Sherloc (09022015). Collection method: clinical testing. Allele origin: germline.
Comment: In summary, the available evidence is currently insufficient to determine the role of this variant in disease. Therefore, it has been classified as a Variant of Uncertain Significance. Algorithms developed to predict the effect of missense changes on protein structure and function are either unavailable or do not agree on the potential impact of this missense change (SIFT: "Not Available"; PolyPhen-2: "Benign"; Align-GVGD: "Not Available"). This variant has not been reported in the literature in individuals with WRN-related conditions. This variant is not present in population databases (ExAC no frequency). This sequence change replaces histidine with leucine at codon 760 of the WRN protein (p.His760Leu). The histidine residue is weakly conserved and there is a moderate physicochemical difference between histidine and leucine.

NM_000553.6(WRN):c.2279A>T (p.His760Leu)

Gene: WRN (WRN RecQ like helicase; plus strand). Cytogenetic location: 8p12.
Variant type: single nucleotide variant.
Coding change: c.2279A>T on transcript NM_000553.6 (MANE Select); coding-DNA position 2279, A replaced by T.
Protein change: p.His760Leu; replaces histidine 760 with leucine.
Molecular consequence: missense variant.
Genome position (GRCh38, 1-based): chr8:31,116,359, A>T. VCF-style: chr8-31116359-A-T. GRCh37 (hg19) VCF-style: chr8-30973875-A-T.
Other names: short protein forms H760L.
Identifiers: ClinVar variation 1430371 (VCV001430371.4), dbSNP rs1801516310, ClinGen allele CA370913345.
Genomic context (GRCh38, chr8:31,116,359, plus strand): 5'-TCTGAAGCATGTATAAAGTATATATGTTTGCTCTTTTGTTCTTCTTTTTCTTTAGTTCCC[A>T]CTGGGAATTTGAAGGTCCAACAATCATCTACTGTCCTTCTAGAAAAATGACACAACAAGT-3'
Protein context (NP_000544.2, residues 750-770): LQPFLVKTSS[His760Leu]WEFEGPTIIY